The following is an entry in ClinVar:

NM_001127178.3(PIGG):c.466A>G (p.Lys156Glu)

Gene: PIGG (phosphatidylinositol glycan anchor biosynthesis class G (EMM blood group); plus strand). Cytogenetic location: 4p16.3.
Variant type: single nucleotide variant.
Coding change: c.466A>G on transcript NM_001127178.3 (MANE Select); coding-DNA position 466, A replaced by G.
Protein change: p.Lys156Glu; replaces lysine 156 with glutamic acid.
Molecular consequence: missense variant. On other transcripts: 5 prime UTR variant (4), non-coding transcript variant (10), intron variant (1).
Genome position (GRCh38, 1-based): chr4:505,823, A>G. VCF-style: chr4-505823-A-G. GRCh37 (hg19) VCF-style: chr4-499612-A-G.
Other names: c.199A>G, p.Lys67Glu (NM_001289051.2, NM_001289053.2, NM_001289057.2 and 2 more transcripts); c.100A>G, p.Lys34Glu (NM_001289055.2); c.-422A>G (NM_001345988.2); c.466A>G, p.Lys156Glu (NM_001345989.2, NM_017733.5); c.-1160A>G (NM_001345990.2); c.-1022A>G (NM_001345991.2); c.-747A>G (NM_001345994.2); c.361-3006A>G (NM_001289052.2); short protein forms K156E, K34E, K67E.
Identifiers: ClinVar variation 3373708 (VCV003373708.1).
Genomic context (GRCh38, chr4:505,823, plus strand): 5'-AACCTCAATTCTCCTGCACTGCTGGAAGACAGTGTGATAAGACAAGCAAAAGCAGCTGGA[A>G]AAAGAATAGTCTTTTATGGAGATGAAACCTGGGTTAAATTATTCCCAAAGCATTTTGTGG-3'
Protein context (NP_001120650.1, residues 146-166): SVIRQAKAAG[Lys156Glu]RIVFYGDETW

ClinVar aggregate classification (germline): Uncertain significance (1 of 4 stars; one submission).

Submission:

GeneDx
Classification: Uncertain significance. Last evaluated: 2024-03-08. Review status: criteria provided, single submitter. Criteria: GeneDx Variant Classification Process June 2021. Collection method: clinical testing. Allele origin: germline. Affected: yes.
Comment: Not observed at significant frequency in large population cohorts (gnomAD); In silico analysis supports that this missense variant has a deleterious effect on protein structure/function; Has not been previously published as pathogenic or benign to our knowledge